The following is an entry in ClinVar:

ClinVar aggregate classification (germline): Conflicting classifications of pathogenicity. Review status: criteria provided, conflicting classifications (1 of 4 stars). 7 submissions from 7 submitters: Uncertain significance (2); Likely benign (5). Last evaluated 2026-01-14.

Conditions:
Aortic aneurysm, familial thoracic 7 (AAT7). Also called: AORTIC DISSECTION, FAMILIAL, WITH OR WITHOUT AORTIC ANEURYSM. Identifiers: MedGen C3151077, MONDO:0013418, OMIM 613780.
Familial thoracic aortic aneurysm and aortic dissection (TAAD). Also called: Thoracic aortic aneurysms and dissections. Identifiers: Orphanet 91387, MedGen C4707243, MONDO:0019625.

Allele frequency attached by ClinVar (database versions not stated): ESP Exome Variant Server 0.00008; TOPMed 0.00008; gnomAD 0.00019 and 0.00020; 1000 Genomes Project 30x 0.00031; ExAC 0.00040.
gnomAD v4.1: 243 of 1,613,806 alleles (0.015%); highest among the groups gnomAD compares: East Asian, 0.022%; no homozygotes.

Submissions (7):

Labcorp Genetics (formerly Invitae), Labcorp
Classification: Likely benign for Aortic aneurysm, familial thoracic 7. Last evaluated: 2026-01-14. Review status: criteria provided, single submitter. Criteria: Invitae Variant Classification Sherloc (09022015). Collection method: clinical testing. Allele origin: germline.

Women's Health and Genetics/Laboratory Corporation of America, LabCorp
Classification: Likely benign. Last evaluated: 2025-10-21. Review status: criteria provided, single submitter. Criteria: LabCorp Variant Classification Summary - May 2015. Collection method: clinical testing. Allele origin: germline.
Comment: Variant summary: MYLK c.455G>A (p.Arg152His) results in a non-conservative amino acid change located in the Immunoglobulin subtype 2 (IPR003598) of the encoded protein sequence. Algorithms developed to predict the effect of missense changes on protein structure and function are either unavailable or do not agree on the potential impact of this missense change. The variant allele was found at a frequency of 0.00036 in 250820 control chromosomes (gnomAD). The observed variant frequency exceeds the estimated maximal expected allele frequency for disease-causing variants in MYLK. c.455G>A has been reported in the literature as a VUS in at least one individual affected with Stanford type B aortic dissection without evidence of causality, with an alternate reported likely pathogenic variant (e.g. Erhart_2020). This report does not provide unequivocal conclusions about association of the variant with Aortopathy. To our knowledge, no experimental evidence demonstrating an impact on protein function has been reported. The following publication have been ascertained in the context of this evaluation (PMID: 33282382). ClinVar contains an entry for this variant (Variation ID: 264312). Based on the evidence outlined above, the variant was classified as likely benign.

Mayo Clinic Laboratories, Mayo Clinic
Classification: Likely benign. Last evaluated: 2025-03-17. Review status: criteria provided, single submitter. Criteria: ACMG Guidelines, 2015. Collection method: clinical testing. Allele origin: germline. Observed: 1 variant allele.
Comment: BS1, BP4, BP5

Blueprint Genetics
Classification: Likely benign. Last evaluated: 2024-09-12. Review status: criteria provided, single submitter. Criteria: ACMG Guidelines, 2015. Collection method: clinical testing. Allele origin: germline.

ARUP Laboratories, Molecular Genetics and Genomics, ARUP Laboratories
Classification: Uncertain significance. Last evaluated: 2024-04-01. Review status: criteria provided, single submitter. Criteria: ARUP Molecular Germline Variant Investigation Process 2024. Collection method: clinical testing. Allele origin: germline.
Comment: The MYLK c.455G>A; p.Arg152His variant (rs201754358), to our knowledge, is not reported in the medical literature but is reported in ClinVar (Variation ID: 264312). This variant is found in the Finnish European population with an allele frequency of 0.16% (39/25090 alleles) in the Genome Aggregation Database (v2.1.1). Computational analyses are uncertain whether this variant is neutral or deleterious (REVEL: 0.237). Due to limited information, the clinical significance of this variant is uncertain at this time.

Ambry Genetics
Classification: Likely benign for Familial thoracic aortic aneurysm and aortic dissection. Last evaluated: 2020-11-09. Review status: criteria provided, single submitter. Criteria: Ambry Variant Classification Scheme 2023. Collection method: clinical testing. Allele origin: germline.

Illumina Laboratory Services, Illumina
Classification: Uncertain significance for Aortic aneurysm, familial thoracic 7. Last evaluated: 2018-01-13. Review status: criteria provided, single submitter. Criteria: ICSL Variant Classification Criteria 13 December 2019. Collection method: clinical testing. Allele origin: germline.

Literature cited by the submitters: PubMed 33282382 (cited by Women's Health and Genetics/Laboratory Corporation of America, LabCorp and Mayo Clinic Laboratories, Mayo Clinic).

NM_053025.4(MYLK):c.455G>A (p.Arg152His)

Gene: MYLK (myosin light chain kinase; minus strand). Cytogenetic location: 3q21.1.
Variant type: single nucleotide variant.
Coding change: c.455G>A on transcript NM_053025.4 (MANE Select); coding-DNA position 455, G replaced by A.
Protein change: p.Arg152His; replaces arginine 152 with histidine.
Molecular consequence: missense variant. On other transcripts: 5 prime UTR variant (1).
Genome position (GRCh38, 1-based): chr3:123,739,030, C>T on the plus strand (G>A on the coding strand, the complement: MYLK is on the minus strand). VCF-style: chr3-123739030-C-T. GRCh37 (hg19) VCF-style: chr3-123457877-C-T.
Other names: p.Arg152His; c.-74G>A (NM_001321309.2); c.455G>A, p.Arg152His (NM_053026.4, NM_053027.4, NM_053028.4); short protein forms R152H.
Identifiers: ClinVar variation 264312 (VCV000264312.74), dbSNP rs201754358, ClinGen allele CA072045.